The following is an entry in ClinVar:

NM_173560.4(RFX6):c.245del (p.Asn82fs)

Gene: RFX6 (regulatory factor X6; plus strand). Cytogenetic location: 6q22.1.
Variant type: Deletion.
Coding change: c.245del on transcript NM_173560.4 (MANE Select); coding-DNA position 245, one base deleted (A; older notation c.245delA).
Protein change: p.Asn82fs; shifts the reading frame from asparagine 82.
Molecular consequence: frameshift variant.
Genome position (GRCh38, 1-based): chr6:116,877,817, A deleted; the last of 2 consecutive A bases (chr6:116,877,816-116,877,817); deleting either gives the same sequence. VCF-style (leftmost placement, unchanged base first): chr6-116877815-TA-T. GRCh37 (hg19) VCF-style: chr6-117198978-TA-T.
Other names: short protein forms N82fs.
Identifiers: ClinVar variation 3655181 (VCV003655181.2).

ClinVar aggregate classification (germline): Pathogenic (1 of 4 stars; one submission).

Submission:

Labcorp Genetics (formerly Invitae), Labcorp
Classification: Pathogenic. Last evaluated: 2024-08-31. Review status: criteria provided, single submitter. Criteria: Invitae Variant Classification Sherloc (09022015). Collection method: clinical testing. Allele origin: germline.
Comment: This sequence change creates a premature translational stop signal (p.Asn82Thrfs*33) in the RFX6 gene. It is expected to result in an absent or disrupted protein product. Loss-of-function variants in RFX6 are known to be pathogenic (PMID: 20148032). This variant is not present in population databases (gnomAD no frequency). This variant has not been reported in the literature in individuals affected with RFX6-related conditions. For these reasons, this variant has been classified as Pathogenic.

Literature cited by the submitters: PubMed 20148032.